The following is an entry in ClinVar:

ClinVar aggregate classification (germline): Uncertain significance. Review status: criteria provided, multiple submitters, no conflicts (2 of 4 stars). 2 submissions from 2 submitters: Uncertain significance (2). Last evaluated 2025-08-21.

Conditions:
Inborn genetic diseases. Identifiers: MedGen C0950123, MeSH D030342.

gnomAD v4.1: 8 of 1,605,782 alleles (0.0005%); highest among the groups gnomAD compares: Non-Finnish European, 0.00059%; no homozygotes.

Submissions (2):

Ambry Genetics
Classification: Uncertain significance for Inborn genetic diseases. Last evaluated: 2025-08-21. Review status: criteria provided, single submitter. Criteria: Ambry Variant Classification Scheme 2023. Collection method: clinical testing. Allele origin: germline.

GeneDx
Classification: Uncertain significance. Last evaluated: 2024-10-09. Review status: criteria provided, single submitter. Criteria: GeneDx Variant Classification Process June 2021. Collection method: clinical testing. Allele origin: germline. Affected: yes.
Comment: Not observed at significant frequency in large population cohorts (gnomAD); In silico analysis supports that this missense variant has a deleterious effect on protein structure/function; Has not been previously published as pathogenic or benign to our knowledge

NM_001371623.1(TCOF1):c.4321A>G (p.Lys1441Glu)

Gene: TCOF1 (treacle ribosome biogenesis factor 1; plus strand). Cytogenetic location: 5q32.
Variant type: single nucleotide variant.
Coding change: c.4321A>G on transcript NM_001371623.1 (MANE Select); coding-DNA position 4321, A replaced by G.
Protein change: p.Lys1441Glu; replaces lysine 1441 with glutamic acid.
Molecular consequence: missense variant.
Genome position (GRCh38, 1-based): chr5:150,396,818, A>G. VCF-style: chr5-150396818-A-G. GRCh37 (hg19) VCF-style: chr5-149776381-A-G.
Other names: c.4207A>G, p.Lys1403Glu (NM_001135244.2); c.4090A>G, p.Lys1364Glu (NM_001135245.2); c.4204A>G, p.Lys1402Glu (NM_001195141.2); c.4087A>G, p.Lys1363Glu (NM_000356.4); c.4318A>G, p.Lys1440Glu (NM_001135243.2); short protein forms K1363E, K1364E, K1402E, K1403E, K1440E, K1441E.
Identifiers: ClinVar variation 3777468 (VCV003777468.2).